The following is an entry in ClinVar:

NM_152564.5(VPS13B):c.7461C>T (p.Ser2487=)

Gene: VPS13B (vacuolar protein sorting 13 homolog B; plus strand). Cytogenetic location: 8q22.2.
Variant type: single nucleotide variant.
Coding change: c.7461C>T on transcript NM_152564.5 (MANE Select); coding-DNA position 7461, C replaced by T.
Protein change: p.Ser2487=; no amino-acid change (serine 2487 retained).
Molecular consequence: synonymous variant.
Genome position (GRCh38, 1-based): chr8:99,778,713, C>T. VCF-style: chr8-99778713-C-T. GRCh37 (hg19) VCF-style: chr8-100790941-C-T.
Other names: c.7536C>T, p.Ser2512= (NM_017890.5); c.7461C>T (NM_152564.4).
Identifiers: ClinVar variation 909414 (VCV000909414.16), dbSNP rs751190453, ClinGen allele CA4824234.
Genomic context (GRCh38, chr8:99,778,713, plus strand): 5'-GCTGTTTTCCTTGTTTGTTTTCTCAACAGCTGCACCACAGTACCTACAGCCATTTGTTTC[C>T]GACAGAAATATGCCATCTGAACTAGAATACATGATTGTTTCCTTCAGAGAACCACACATG-3'
Protein context (NP_689777.3, residues 2477-2497): AAPQYLQPFV[Ser2487=]DRNMPSELEY

ClinVar aggregate classification (germline): Conflicting classifications of pathogenicity. Review status: criteria provided, conflicting classifications (1 of 4 stars). 4 submissions from 4 submitters: Uncertain significance (1); Likely benign (2). 1 of the submissions does not count toward it. Last evaluated 2025-10-27.

Conditions:
VPS13B-related disorder. Also called: VPS13B-related condition.
Cohen syndrome (COH1). Also called: Cutis verticis gyrata, retinitis pigmentosa, and sensorineural deafness; PEPPER SYNDROME. Identifiers: Orphanet 193, MedGen C0265223, MONDO:0008999, OMIM 216550.

Allele frequency attached by ClinVar (database versions not stated): TOPMed 0.00002.
gnomAD v4.1: 59 of 1,613,690 alleles (0.0037%); highest among the groups gnomAD compares: Non-Finnish European, 0.0044%; no homozygotes.

Submissions (4):

Labcorp Genetics (formerly Invitae), Labcorp
Classification: Likely benign for Cohen syndrome. Last evaluated: 2025-10-27. Review status: criteria provided, single submitter. Criteria: Invitae Variant Classification Sherloc (09022015). Collection method: clinical testing. Allele origin: germline.

Blueprint Genetics
Classification: Likely benign. Last evaluated: 2021-08-30. Review status: criteria provided, single submitter. Criteria: ACMG Guidelines, 2015. Collection method: clinical testing. Allele origin: germline.

Illumina Laboratory Services, Illumina
Classification: Uncertain significance for Cohen syndrome. Last evaluated: 2018-03-02. Review status: criteria provided, single submitter. Criteria: ICSL Variant Classification Criteria 13 December 2019. Collection method: clinical testing. Allele origin: germline.

PreventionGenetics, part of Exact Sciences
Classification: Likely benign for VPS13B-related condition. Last evaluated: 2023-05-30. Review status: no assertion criteria provided. Collection method: clinical testing. Allele origin: germline. Not counted in ClinVar's aggregate classification.
Comment: This variant is classified as likely benign based on ACMG/AMP sequence variant interpretation guidelines (Richards et al. 2015 PMID: 25741868, with internal and published modifications).